The following is an entry in ClinVar:

ClinVar aggregate classification (germline): Uncertain significance (1 of 4 stars; one submission).

Submission:

GeneDx
Classification: Uncertain significance. Last evaluated: 2025-01-23. Review status: criteria provided, single submitter. Criteria: GeneDx Variant Classification Process June 2021. Collection method: clinical testing. Allele origin: germline. Affected: yes.
Comment: Not observed at significant frequency in large population cohorts (gnomAD); In silico analysis supports that this missense variant has a deleterious effect on protein structure/function; Has not been previously published as pathogenic or benign to our knowledge

NM_002074.5(GNB1):c.453C>G (p.Phe151Leu)

Gene: GNB1 (G protein subunit beta 1; minus strand). Cytogenetic location: 1p36.33.
Variant type: single nucleotide variant.
Coding change: c.453C>G on transcript NM_002074.5 (MANE Select); coding-DNA position 453, C replaced by G.
Protein change: p.Phe151Leu; replaces phenylalanine 151 with leucine.
Molecular consequence: missense variant.
Genome position (GRCh38, 1-based): chr1:1,793,289, G>C on the plus strand (C>G on the coding strand, the complement: GNB1 is on the minus strand). VCF-style: chr1-1793289-G-C. GRCh37 (hg19) VCF-style: chr1-1724728-G-C.
Other names: c.153C>G, p.Phe51Leu (NM_001282538.2); c.453C>G, p.Phe151Leu (NM_001282539.2); short protein forms F151L, F51L.
Identifiers: ClinVar variation 4071883 (VCV004071883.1).